The following is an entry in ClinVar:

ClinVar aggregate classification (germline): Pathogenic (1 of 4 stars; one submission).

Conditions:
Hereditary breast ovarian cancer syndrome. Also called: Hereditary breast and ovarian cancer syndrome; Hereditary breast and ovarian cancer; Hereditary breast and ovarian cancer syndrome (HBOC); Breast and ovarian cancer; Hereditary breast and/or ovarian cancer syndrome; BRCA1- and BRCA2-Associated Hereditary Breast and Ovarian Cancer. Identifiers: Orphanet 145, MedGen C0677776, MeSH D061325, MONDO:0003582. Disease mechanism: loss of function.

Submission:

Labcorp Genetics (formerly Invitae), Labcorp
Classification: Pathogenic for Hereditary breast ovarian cancer syndrome. Last evaluated: 2018-11-05. Review status: criteria provided, single submitter. Criteria: Invitae Variant Classification Sherloc (09022015). Collection method: clinical testing. Allele origin: unknown.
Comment: For these reasons, this variant has been classified as Pathogenic. This deletion is expected to partially remove the C-terminal BRCT domain of the BRCA1 protein, which is important for DNA repair activity (PMID: 14576433, 15133503). A different deleterious variant (p.Tyr1853*) within the deleted sequence of this variant has been shown to disrupt BRCA1 protein function (PMID: 8942979, 20681793, 10811118, 11256609, 17308087), suggesting that although this particular variant may not result in nonsense mediated decay, it is expected to affect BRCA1 protein function. While this variant has not been reported in the literature in individuals with BRCA1-related disease, similar deletions of exon 23 have been reported in individuals with a personal or family history of breast and ovarian cancer (PMID:¬†18431737,¬†24825132, 25428789). A deletion of exon 23 is also known as a deletion of exon 24 in the literature. This variant is a deletion of the genomic region encompassing part of exon 23 (c.5503_*1416del) of the BRCA1 gene. While this deletion is not anticipated to result in nonsense mediated decay, it is expected to create a truncated protein product.

Literature cited by the submitters: PubMed 14576433; PubMed 15133503; PubMed 8942979; PubMed 20681793; PubMed 10811118; PubMed 11256609; PubMed 17308087.

NC_000017.10:g.(?_41196279)_(41197784_?)del

Gene: BRCA1 (BRCA1 DNA repair associated; minus strand). Cytogenetic location: 17q21.31.
Variant type: Deletion.
Identifiers: ClinVar variation 3243011 (VCV003243011.1).